The following is an entry in ClinVar:

ClinVar aggregate classification (germline): Pathogenic/Likely pathogenic. Review status: criteria provided, multiple submitters, no conflicts (2 of 4 stars). 3 submissions from 3 submitters: Pathogenic (1); Likely pathogenic (1). 1 of the submissions does not count toward it. Last evaluated 2024-10-17.

Conditions:
Hypogonadotropic hypogonadism 2 with or without anosmia (HH2). Also called: HYPOGONADOTROPIC HYPOGONADISM 2 WITHOUT ANOSMIA; HYPOGONADOTROPIC HYPOGONADISM 2 WITH OR WITHOUT ANOSMIA, SUSCEPTIBILITY TO; HYPOGONADOTROPIC HYPOGONADISM 2 WITHOUT ANOSMIA, SUSCEPTIBILITY TO; FGFR1-Related GnRH Deficiency (Kallmann Syndrome 2). Identifiers: Orphanet 478, MedGen C1563720, MONDO:0007844, OMIM 147950. Disease mechanism: loss of function.

Submissions (3):

3billion
Classification: Likely pathogenic for Hypogonadotropic hypogonadism 2 with or without anosmia. Last evaluated: 2024-10-17. Review status: criteria provided, single submitter. Criteria: ACMG Guidelines, 2015. Collection method: clinical testing. Allele origin: germline. Affected: yes.
Comment: The variant is not observed in the gnomAD v4.1.0 dataset. Predicted Consequence/Location: Missense variant In silico tool predictions suggest damaging effect of the variant on gene or gene product [REVEL: 0.84 (>=0.6, sensitivity 0.68 and specificity 0.92); 3Cnet: 0.92 (>=0.6, sensitivity 0.72 and precision 0.9)]. The same nucleotide change resulting in the same amino acid change has been previously reported as pathogenic/likely pathogenic with strong evidence (ClinVar ID: VCV001341671 /PMID: 16882753). Different missense changes at the same codon (p.Arg250Gln, p.Arg250Pro) have been reported as pathogenic/likely pathogenic with strong evidence (ClinVar ID: VCV000016303, VCV000235084 /PMID: 19820032, 27363716). Therefore, this variant is classified as Likely pathogenic according to the recommendation of ACMG/AMP guideline.

Reproductive Endocrine Unit, Massachusetts General Hospital
Classification: Pathogenic for Hypogonadotropic hypogonadism 2 with or without anosmia. Last evaluated: 2023-05-04. Review status: criteria provided, single submitter. Criteria: ACMG Guidelines, 2015. Collection method: research. Allele origin: unknown. Affected: yes. Observed: 2 variant alleles.
Comment: The variant has been classified as P3a based on the variant meeting the following ACMG Criteria: PS3,PM2,PM5, PP1, PP4.

Department of Surgery, The First Affiliated Hospital of Zhengzhou University
Classification: Likely pathogenic for Hypogonadotropic hypogonadism 2 with or without anosmia. Last evaluated: 2022-02-14. Review status: no assertion criteria provided. Collection method: research. Allele origin: de novo. Affected: yes. Not counted in ClinVar's aggregate classification.

Literature cited by the submitters: PubMed 16882753 (cited by 3billion); PubMed 19820032 (cited by 3billion).

NM_023110.3(FGFR1):c.748C>T (p.Arg250Trp)

Gene: FGFR1 (fibroblast growth factor receptor 1; minus strand). Cytogenetic location: 8p11.23.
Variant type: single nucleotide variant.
Coding change: c.748C>T on transcript NM_023110.3 (MANE Select); coding-DNA position 748, C replaced by T.
Protein change: p.Arg250Trp; replaces arginine 250 with tryptophan.
Molecular consequence: missense variant.
Genome position (GRCh38, 1-based): chr8:38,424,697, G>A on the plus strand (C>T on the coding strand, the complement: FGFR1 is on the minus strand). VCF-style: chr8-38424697-G-A. GRCh37 (hg19) VCF-style: chr8-38282215-G-A.
Other names: c.748C>T (NM_023110.2); c.748C>T, p.Arg250Trp (NM_001174063.2); c.724C>T, p.Arg242Trp (NM_001174064.2); c.742C>T, p.Arg248Trp (NM_001174065.2, NM_001354367.2, NM_001354369.2 and 1 more transcripts); c.481C>T, p.Arg161Trp (NM_001174066.2, NM_023105.3); c.841C>T, p.Arg281Trp (NM_001174067.2); c.475C>T, p.Arg159Trp (NM_001354368.2, NM_001354370.2, NM_023106.3); short protein forms R159W, R161W, R242W, R248W, R250W, R281W.
Identifiers: ClinVar variation 1341671 (VCV001341671.4), dbSNP rs2150826896, ClinGen allele CA370735178.
Genomic context (GRCh38, chr8:38,424,697, plus strand): 5'-CCAGGGCCACTGTTTTGTTGGCGGGCAACCCTGCTTGCAGGATGGGCCGGTGAGGGGACC[G>A]CTCTGTGGAAGATGGGAGAGGAGGCACTTGTCATGGGGACCTTGCCATGGCTAAAGAGGG-3'
Protein context (NP_075598.2, residues 240-260): NHTYQLDVVE[Arg250Trp]SPHRPILQAG